The following is an entry in ClinVar:

ClinVar aggregate classification (germline): Uncertain significance (1 of 4 stars; one submission).

Allele frequency attached by ClinVar (database versions not stated): gnomAD exomes below 0.00001.
gnomAD v4.1: 2 of 1,614,118 alleles (0.00012%); highest among the groups gnomAD compares: East Asian, 0.0022%; no homozygotes.

Submission:

Labcorp Genetics (formerly Invitae), Labcorp
Classification: Uncertain significance. Last evaluated: 2024-10-26. Review status: criteria provided, single submitter. Criteria: Invitae Variant Classification Sherloc (09022015). Collection method: clinical testing. Allele origin: germline.
Comment: This sequence change replaces alanine, which is neutral and non-polar, with threonine, which is neutral and polar, at codon 135 of the PCYT1A protein (p.Ala135Thr). This variant is not present in population databases (gnomAD no frequency). This variant has not been reported in the literature in individuals affected with PCYT1A-related conditions. ClinVar contains an entry for this variant (Variation ID: 1361695). Invitae Evidence Modeling of protein sequence and biophysical properties (such as structural, functional, and spatial information, amino acid conservation, physicochemical variation, residue mobility, and thermodynamic stability) has been performed for this missense variant. However, the output from this modeling did not meet the statistical confidence thresholds required to predict the impact of this variant on PCYT1A protein function. In summary, the available evidence is currently insufficient to determine the role of this variant in disease. Therefore, it has been classified as a Variant of Uncertain Significance.

NM_001312673.2(PCYT1A):c.403G>A (p.Ala135Thr)

Genes: PCYT1A (phosphate cytidylyltransferase 1A, choline; minus strand), LOC126806932 (BRD4-independent group 4 enhancer GRCh37_chr3:195973646-195974845; plus strand). Cytogenetic location: 3q29.
Variant type: single nucleotide variant.
Coding change: c.403G>A on transcript NM_001312673.2 (MANE Select); coding-DNA position 403, G replaced by A.
Protein change: p.Ala135Thr; replaces alanine 135 with threonine.
Molecular consequence: missense variant.
Genome position (GRCh38, 1-based): chr3:196,247,450, C>T on the plus strand (G>A on the coding strand, the complement: PCYT1A is on the minus strand). VCF-style: chr3-196247450-C-T. GRCh37 (hg19) VCF-style: chr3-195974321-C-T.
Other names: c.403G>A, p.Ala135Thr (NM_005017.4); short protein forms A135T.
Identifiers: ClinVar variation 1361695 (VCV001361695.8), dbSNP rs1724605639, ClinGen allele CA355612732.